The following is an entry in ClinVar:

NM_020896.4(OSBPL5):c.2123G>A (p.Arg708Gln)

Gene: OSBPL5 (oxysterol binding protein like 5; minus strand). Cytogenetic location: 11p15.4.
Variant type: single nucleotide variant.
Coding change: c.2123G>A on transcript NM_020896.4 (MANE Select); coding-DNA position 2123, G replaced by A.
Protein change: p.Arg708Gln; replaces arginine 708 with glutamine.
Molecular consequence: missense variant.
Genome position (GRCh38, 1-based): chr11:3,092,876, C>T on the plus strand (G>A on the coding strand, the complement: OSBPL5 is on the minus strand). VCF-style: chr11-3092876-C-T. GRCh37 (hg19) VCF-style: chr11-3114106-C-T.
Other names: c.1919G>A, p.Arg640Gln (NM_001144063.2, NM_145638.3); short protein forms R640Q, R708Q.
Identifiers: ClinVar variation 3044996 (VCV003044996.3), dbSNP rs202210331, ClinGen allele CA5824815.

ClinVar aggregate classification (germline): Uncertain significance. Review status: criteria provided, single submitter (1 of 4 stars). 2 submissions from 2 submitters: Uncertain significance (1). 1 of the submissions does not count toward it. Last evaluated 2025-11-03.

Conditions:
OSBPL5-related disorder. Also called: OSBPL5-related condition.

Allele frequency attached by ClinVar (database versions not stated): ExAC 0.00027; 1000 Genomes Project 0.00020; 1000 Genomes Project 30x 0.00016.
gnomAD v4.1: 249 of 1,543,552 alleles (0.016%); highest among the groups gnomAD compares: Admixed American, 0.29%; no homozygotes.

Submissions (2):

Ambry Genetics
Classification: Uncertain significance. Last evaluated: 2025-11-03. Review status: criteria provided, single submitter. Criteria: Ambry Variant Classification Scheme 2023. Collection method: clinical testing. Allele origin: germline.

PreventionGenetics, part of Exact Sciences
Classification: Likely benign for OSBPL5-related condition. Last evaluated: 2022-12-01. Review status: no assertion criteria provided. Collection method: clinical testing. Allele origin: germline. Not counted in ClinVar's aggregate classification.
Comment: This variant is classified as likely benign based on ACMG/AMP sequence variant interpretation guidelines (Richards et al. 2015 PMID: 25741868, with internal and published modifications).